The following is an entry in ClinVar:

NM_001363711.2(DUOX2):c.272G>A (p.Gly91Asp)

Gene: DUOX2 (dual oxidase 2; minus strand). Cytogenetic location: 15q21.1.
Variant type: single nucleotide variant.
Coding change: c.272G>A on transcript NM_001363711.2 (MANE Select); coding-DNA position 272, G replaced by A.
Protein change: p.Gly91Asp; replaces glycine 91 with aspartic acid.
Molecular consequence: missense variant.
Genome position (GRCh38, 1-based): chr15:45,112,607, C>T on the plus strand (G>A on the coding strand, the complement: DUOX2 is on the minus strand). VCF-style: chr15-45112607-C-T. GRCh37 (hg19) VCF-style: chr15-45404805-C-T.
Other names: c.272G>A, p.Gly91Asp (NM_014080.5); short protein forms G91D.
Identifiers: ClinVar variation 3629553 (VCV003629553.2).

ClinVar aggregate classification (germline): Uncertain significance (1 of 4 stars; one submission).

gnomAD v4.1: 10 of 1,612,860 alleles (0.00062%); highest among the groups gnomAD compares: South Asian, 0.011%; no homozygotes.

Submission:

Women's Health and Genetics/Laboratory Corporation of America, LabCorp
Classification: Uncertain significance. Last evaluated: 2024-11-26. Review status: criteria provided, single submitter. Criteria: LabCorp Variant Classification Summary - May 2015. Collection method: clinical testing. Allele origin: germline.
Comment: Variant summary: DUOX2 c.272G>A (p.Gly91Asp) results in a non-conservative amino acid change in the encoded protein sequence. Four of five in-silico tools predict a damaging effect of the variant on protein function. The variant allele was found at a frequency of 8.1e-06 in 246804 control chromosomes (gnomAD). The available data on variant occurrences in the general population are insufficient to allow any conclusion about variant significance. c.272G>A has been reported in the literature in an individual affected with Hypothyroidism (Wang_2021). This report does not provide unequivocal conclusions about association of the variant with Thyroid Dyshormonogenesis 6. To our knowledge, no experimental evidence demonstrating an impact on protein function has been reported. The following publication has been ascertained in the context of this evaluation (PMID: 33631011). No submitters have cited clinical-significance assessments for this variant to ClinVar. Based on the evidence outlined above, the variant was classified as uncertain significance.

Literature cited by the submitters: PubMed 33631011.